The following is an entry in ClinVar:

NM_000660.7(TGFB1):c.242A>G (p.Tyr81Cys)

Genes: TGFB1 (transforming growth factor beta 1; minus strand), LOC130064510 (ATAC-STARR-seq lymphoblastoid silent region 10661; plus strand). Cytogenetic location: 19q13.2.
Variant type: single nucleotide variant.
Coding change: c.242A>G on transcript NM_000660.7 (MANE Select); coding-DNA position 242, A replaced by G.
Protein change: p.Tyr81Cys; replaces tyrosine 81 with cysteine.
Molecular consequence: missense variant.
Genome position (GRCh38, 1-based): chr19:41,352,803, T>C on the plus strand (A>G on the coding strand, the complement: TGFB1 is on the minus strand). VCF-style: chr19-41352803-T-C. GRCh37 (hg19) VCF-style: chr19-41858708-T-C.
Other names: short protein forms Y81C.
Identifiers: ClinVar variation 2825006 (VCV002825006.3), dbSNP rs2513392552, ClinGen allele CA406005309.

ClinVar aggregate classification (germline): Uncertain significance (1 of 4 stars; one submission).

Submission:

Labcorp Genetics (formerly Invitae), Labcorp
Classification: Uncertain significance. Last evaluated: 2022-12-30. Review status: criteria provided, single submitter. Criteria: Invitae Variant Classification Sherloc (09022015). Collection method: clinical testing. Allele origin: germline.
Comment: In summary, the available evidence is currently insufficient to determine the role of this variant in disease. Therefore, it has been classified as a Variant of Uncertain Significance. Advanced modeling of protein sequence and biophysical properties (such as structural, functional, and spatial information, amino acid conservation, physicochemical variation, residue mobility, and thermodynamic stability) performed at Invitae indicates that this missense variant is expected to disrupt TGFB1 protein function. This variant has not been reported in the literature in individuals affected with TGFB1-related conditions. This variant is not present in population databases (gnomAD no frequency). This sequence change replaces tyrosine, which is neutral and polar, with cysteine, which is neutral and slightly polar, at codon 81 of the TGFB1 protein (p.Tyr81Cys).